The following is an entry in ClinVar:

NM_006267.5(RANBP2):c.5979C>T (p.Ser1993=)

Gene: RANBP2 (RAN binding protein 2; plus strand). Cytogenetic location: 2q13.
Variant type: single nucleotide variant.
Coding change: c.5979C>T on transcript NM_006267.5 (MANE Select); coding-DNA position 5979, C replaced by T.
Protein change: p.Ser1993=; no amino-acid change (serine 1993 retained).
Molecular consequence: synonymous variant.
Genome position (GRCh38, 1-based): chr2:108,766,518, C>T. VCF-style: chr2-108766518-C-T. GRCh37 (hg19) VCF-style: chr2-109382974-C-T.
Identifiers: ClinVar variation 537224 (VCV000537224.33), dbSNP rs757493880, ClinGen allele CA1823376.
Genomic context (GRCh38, chr2:108,766,518, plus strand): 5'-TGCTGGAGAAAAATTATTCTCATCACAATACGGTAAAATGGCCAATAAAGCAAACACTTC[C>T]GGTGACTTTGAGAAAGATGATGATGCCTATAAGACTGAGGACAGCGATGACATCCATTTT-3'
Protein context (NP_006258.3, residues 1983-2003): YGKMANKANT[Ser1993=]GDFEKDDDAY

ClinVar aggregate classification (germline): Likely benign. Review status: criteria provided, multiple submitters, no conflicts (2 of 4 stars). 3 submissions from 3 submitters: Likely benign (3). Last evaluated 2024-10-14.

Conditions:
Familial acute necrotizing encephalopathy (IIAE3). Also called: Susceptibility to Acute Necrotizing Encephalopathy 1; ENCEPHALOPATHY, ACUTE, INFECTION-INDUCED, SUSCEPTIBILITY TO, 3. Identifiers: Orphanet 88619, MedGen C2675556, MONDO:0011953, OMIM 608033.

Allele frequency attached by ClinVar (database versions not stated): gnomAD 0.00013 and 0.00014; TOPMed 0.00013.
gnomAD v4.1: 202 of 1,611,778 alleles (0.013%); highest among the groups gnomAD compares: Non-Finnish European, 0.016%; no homozygotes.

Submissions (3):

Blueprint Genetics
Classification: Likely benign. Last evaluated: 2024-10-14. Review status: criteria provided, single submitter. Criteria: ACMG Guidelines, 2015. Collection method: clinical testing. Allele origin: germline.

CeGaT Center for Human Genetics Tuebingen
Classification: Likely benign. Last evaluated: 2022-09-01. Review status: criteria provided, single submitter. Criteria: CeGaT Center For Human Genetics Tuebingen Variant Classification Criteria Version 2. Collection method: clinical testing. Allele origin: germline. Affected: yes. Observed: 1 variant allele.
Comment: RANBP2: BP4, BP7

Labcorp Genetics (formerly Invitae), Labcorp
Classification: Likely benign for Familial acute necrotizing encephalopathy. Last evaluated: 2021-10-27. Review status: criteria provided, single submitter. Criteria: Invitae Variant Classification Sherloc (09022015). Collection method: clinical testing. Allele origin: germline.